The following is an entry in ClinVar:

NM_000059.4(BRCA2):c.8978C>G (p.Ser2993Ter)

Gene: BRCA2 (BRCA2 DNA repair associated; plus strand). Cytogenetic location: 13q13.1.
Variant type: single nucleotide variant.
Coding change: c.8978C>G on transcript NM_000059.4 (MANE Select); coding-DNA position 8978, C replaced by G.
Protein change: p.Ser2993Ter; replaces serine 2993 with a stop codon.
Molecular consequence: nonsense.
Genome position (GRCh38, 1-based): chr13:32,379,774, C>G. VCF-style: chr13-32379774-C-G. GRCh37 (hg19) VCF-style: chr13-32953911-C-G.
Other names: p.S2993*:TCA>TGA; short protein forms S2993*.
Identifiers: ClinVar variation 182257 (VCV000182257.39), dbSNP rs397508025, ClinGen allele CA025911.

ClinVar aggregate classification (germline): Pathogenic. Review status: reviewed by expert panel (3 of 4 stars). 6 submissions from 6 submitters: Pathogenic (1). 5 of the submissions do not count toward it. Last evaluated 2016-09-08.

Conditions:
Hereditary cancer-predisposing syndrome. Also called: Tumor predisposition; Hereditary Cancer Syndrome; Hereditary neoplastic syndrome; Neoplastic Syndromes, Hereditary. Identifiers: Orphanet 140162, MedGen C0027672, MeSH D009386, MONDO:0015356.
Hereditary breast ovarian cancer syndrome. Also called: Breast and ovarian cancer; Hereditary breast and ovarian cancer syndrome; Hereditary breast and ovarian cancer; BRCA1- and BRCA2-Associated Hereditary Breast and Ovarian Cancer; Hereditary breast and ovarian cancer syndrome (HBOC); Hereditary breast and/or ovarian cancer syndrome. Identifiers: Orphanet 145, MedGen C0677776, MeSH D061325, MONDO:0003582. Disease mechanism: loss of function.
Breast-ovarian cancer, familial, susceptibility to, 2 (BROVCA2). Also called: BRCA2 Hereditary Breast and Ovarian Cancer. Identifiers: Orphanet 145, MedGen C2675520, MONDO:0012933, OMIM 612555. Disease mechanism: loss of function.

gnomAD v4.1: 1 of 1,612,486 alleles (0.000062%); highest among the groups gnomAD compares: African/African-American, 0.0013%; no homozygotes.

Submissions (6):

Evidence-based Network for the Interpretation of Germline Mutant Alleles (ENIGMA)
Classification: Pathogenic for Breast-ovarian cancer, familial, susceptibility to, 2. Last evaluated: 2016-09-08. Review status: reviewed by expert panel. Criteria: ENIGMA BRCA1/2 Classification Criteria (2015). Collection method: curation. Allele origin: germline.
Comment: Variant allele predicted to encode a truncated non-functional protein.

Molecular Pathology, Peter Maccallum Cancer Centre
Classification: Pathogenic for Breast-ovarian cancer, familial, susceptibility to, 2. Last evaluated: 2025-01-30. Review status: criteria provided, single submitter. Criteria: ACMG Guidelines, 2015. Collection method: clinical testing. Allele origin: germline. Inheritance: Autosomal dominant inheritance. Not counted in ClinVar's aggregate classification.

GeneDx
Classification: Pathogenic. Last evaluated: 2024-12-20. Review status: criteria provided, single submitter. Criteria: GeneDx Variant Classification Process June 2021. Collection method: clinical testing. Allele origin: germline. Affected: yes. Not counted in ClinVar's aggregate classification.
Comment: Identified in a patient with breast cancer in published literature (PMID: 26681312); Not observed at significant frequency in large population cohorts (gnomAD); Nonsense variant predicted to result in protein truncation or nonsense mediated decay in a gene for which loss of function is a known mechanism of disease; Truncating variants in this gene are considered pathogenic by a well-established clinical consortium and/or database; Also known as 3221C>G; This variant is associated with the following publications: (PMID: 34413315, 26681312)

Labcorp Genetics (formerly Invitae), Labcorp
Classification: Pathogenic for Hereditary breast ovarian cancer syndrome. Last evaluated: 2019-01-30. Review status: criteria provided, single submitter. Criteria: Invitae Variant Classification Sherloc (09022015). Collection method: clinical testing. Allele origin: germline. Not counted in ClinVar's aggregate classification.
Comment: Loss-of-function variants in BRCA2 are known to be pathogenic (PMID: 20104584). For these reasons, this variant has been classified as Pathogenic. This variant has been observed in an individual affected with breast cancer (PMID: 26681312). ClinVar contains an entry for this variant (Variation ID: 182257). This variant is not present in population databases (ExAC no frequency). This sequence change creates a premature translational stop signal (p.Ser2993*) in the BRCA2 gene. It is expected to result in an absent or disrupted protein product.

Ambry Genetics
Classification: Pathogenic for Hereditary cancer-predisposing syndrome. Last evaluated: 2016-11-23. Review status: criteria provided, single submitter. Criteria: Ambry Variant Classification Scheme 2023. Collection method: clinical testing. Allele origin: germline. Not counted in ClinVar's aggregate classification.
Comment: The p.S2993* pathogenic mutation (also known as c.8978C>G), located in coding exon 22 of the BRCA2 gene, results from a C to G substitution at nucleotide position 8978. This changes the amino acid from a serine to a stop codon within coding exon 22. This alteration is expected to result in loss of function by premature protein truncation or nonsense-mediated mRNA decay. As such, this alteration is interpreted as a disease-causing mutation.

BRCAlab, Lund University
Classification: Pathogenic for Breast-ovarian cancer, familial, susceptibility to, 2. Last evaluated: 2022-08-26. Review status: no assertion criteria provided. Collection method: clinical testing. Allele origin: germline. Affected: yes. Not counted in ClinVar's aggregate classification.

Literature cited by the submitters: PubMed 20104584 (cited by Labcorp Genetics (formerly Invitae), Labcorp); PubMed 26681312 (cited by Labcorp Genetics (formerly Invitae), Labcorp).